The following is an entry in ClinVar:

ClinVar aggregate classification (germline): Uncertain significance (1 of 4 stars; one submission).

Allele frequency attached by ClinVar (database versions not stated): gnomAD exomes below 0.00001.
gnomAD v4.1: 1 of 1,613,926 alleles (0.000062%); highest among the groups gnomAD compares: Non-Finnish European, 0.000085%; no homozygotes.

Submission:

Ambry Genetics
Classification: Uncertain significance. Last evaluated: 2022-09-28. Review status: criteria provided, single submitter. Criteria: Ambry Variant Classification Scheme 2023. Collection method: clinical testing. Allele origin: germline.
Comment: The p.D111E variant (also known as c.333T>A), located in coding exon 2 of the TMPO gene, results from a T to A substitution at nucleotide position 333. The aspartic acid at codon 111 is replaced by glutamic acid, an amino acid with highly similar properties. This amino acid position is conserved. In addition, this alteration is predicted to be tolerated by in silico analysis. Since supporting evidence is limited at this time, the clinical significance of this alteration remains unclear.

NM_001032283.3(TMPO):c.333T>A (p.Asp111Glu)

Gene: TMPO (thymopoietin; plus strand). Cytogenetic location: 12q23.1.
Variant type: single nucleotide variant.
Coding change: c.333T>A on transcript NM_001032283.3 (MANE Select); coding-DNA position 333, T replaced by A.
Protein change: p.Asp111Glu; replaces aspartic acid 111 with glutamic acid.
Molecular consequence: missense variant.
Genome position (GRCh38, 1-based): chr12:98,527,939, T>A. VCF-style: chr12-98527939-T-A. GRCh37 (hg19) VCF-style: chr12-98921717-T-A.
Other names: c.333T>A, p.Asp111Glu (NM_001032284.3, NM_001307975.2, NM_003276.2); short protein forms D111E.
Identifiers: ClinVar variation 1730404 (VCV001730404.2), dbSNP rs2548498891, ClinGen allele CA386150815.